The following is an entry in ClinVar:

ClinVar aggregate classification (germline): Uncertain significance (1 of 4 stars; one submission).

Conditions:
Hereditary pancreatitis (PCTT). Also called: Hereditary chronic pancreatitis; PRSS1-Related Hereditary Pancreatitis. Identifiers: Orphanet 676, MedGen C0238339, MONDO:0008185, OMIM 167800.

gnomAD v4.1: 3 of 1,614,058 alleles (0.00019%); highest among the groups gnomAD compares: South Asian, 0.0022%; no homozygotes.

Submission:

Ambry Genetics
Classification: Uncertain significance for Hereditary pancreatitis. Last evaluated: 2025-10-29. Review status: criteria provided, single submitter. Criteria: Ambry Variant Classification Scheme 2023. Collection method: clinical testing. Allele origin: germline.
Comment: The p.I108V variant (also known as c.322A>G), located in coding exon 3 of the PRSS1 gene, results from an A to G substitution at nucleotide position 322. The isoleucine at codon 108 is replaced by valine, an amino acid with highly similar properties. This amino acid position is conserved. In addition, the in silico prediction for this alteration is inconclusive. Based on the available evidence, the clinical significance of this variant remains unclear.

NM_002769.5(PRSS1):c.322A>G (p.Ile108Val)

Genes: TRB (T cell receptor beta locus; plus strand), PRSS1 (serine protease 1; plus strand). Cytogenetic location: 7q34.
Variant type: single nucleotide variant.
Coding change: c.322A>G on transcript NM_002769.5 (MANE Select); coding-DNA position 322, A replaced by G.
Protein change: p.Ile108Val; replaces isoleucine 108 with valine.
Molecular consequence: missense variant. On other transcripts: non-coding transcript variant (4).
Genome position (GRCh38, 1-based): chr7:142,751,895, A>G. VCF-style: chr7-142751895-A-G. GRCh37 (hg19) VCF-style: chr7-142459746-A-G.
Other names: short protein forms I108V.
Identifiers: ClinVar variation 4560462 (VCV004560462.1).
Genomic context (GRCh38, chr7:142,751,895, plus strand): 5'-ATCAATGCAGCCAAGATCATCCGCCACCCCCAATACGACAGGAAGACTCTGAACAATGAC[A>G]TCATGTTAATCAAGCTCTCCTCACGTGCAGTAATCAACGCCCGCGTGTCCACCATCTCTC-3'
Protein context (NP_002760.1, residues 98-118): QYDRKTLNND[Ile108Val]MLIKLSSRAV